The following is an entry in ClinVar:

ClinVar aggregate classification (germline): Likely benign. Review status: criteria provided, multiple submitters, no conflicts (2 of 4 stars). 3 submissions from 3 submitters: Likely benign (3). Last evaluated 2026-01-02.

Conditions:
Long QT syndrome (LQTS). Identifiers: MedGen C0023976, MeSH D008133, MONDO:0002442. Disease mechanism: loss of function. Inheritance: Various modes of inheritance.
Cardiovascular phenotype. Identifiers: MedGen CN230736.

gnomAD v4.1: 3 of 1,613,904 alleles (0.00019%); highest among the groups gnomAD compares: Non-Finnish European, 0.00017%; no homozygotes.

Submissions (3):

Ambry Genetics
Classification: Likely benign for Cardiovascular phenotype. Last evaluated: 2026-01-02. Review status: criteria provided, single submitter. Criteria: Ambry Variant Classification Scheme 2023. Collection method: clinical testing. Allele origin: germline.

Labcorp Genetics (formerly Invitae), Labcorp
Classification: Likely benign for Long QT syndrome. Last evaluated: 2024-12-24. Review status: criteria provided, single submitter. Criteria: Invitae Variant Classification Sherloc (09022015). Collection method: clinical testing. Allele origin: germline.

All of Us Research Program, National Institutes of Health
Classification: Likely benign for Long QT syndrome. Last evaluated: 2024-01-03. Review status: criteria provided, single submitter. Criteria: ACMG Guidelines, 2015. Collection method: clinical testing. Allele origin: germline. Inheritance: Autosomal dominant inheritance. Observed: 1 variant allele, 1 heterozygote.
Comment: This study involves interpretation of variants in research participants for the purpose of population health screening. Participant phenotype was not available at the time of variant classification. Additional details can be found in publication PMID: 35346344, PMCID: PMC8962531

NM_000238.4(KCNH2):c.453C>T (p.Pro151=)

Gene: KCNH2 (potassium voltage-gated channel subfamily H member 2; minus strand). Cytogenetic location: 7q36.1.
Variant type: single nucleotide variant.
Coding change: c.453C>T on transcript NM_000238.4 (MANE Select); coding-DNA position 453, C replaced by T.
Protein change: p.Pro151=; no amino-acid change (proline 151 retained).
Molecular consequence: synonymous variant. On other transcripts: non-coding transcript variant (1).
Genome position (GRCh38, 1-based): chr7:150,959,591, G>A on the plus strand (C>T on the coding strand, the complement: KCNH2 is on the minus strand). VCF-style: chr7-150959591-G-A. GRCh37 (hg19) VCF-style: chr7-150656679-G-A.
Other names: c.165C>T, p.Pro55= (NM_001406753.1, NM_001406756.1); c.276C>T, p.Pro92= (NM_001406755.1); c.153C>T, p.Pro51= (NM_001406757.1); c.453C>T, p.Pro151= (NM_172056.3).
Identifiers: ClinVar variation 1899709 (VCV001899709.7), dbSNP rs1408538509, ClinGen allele CA458646892.